The following is an entry in ClinVar:

NM_022124.6(CDH23):c.6575T>C (p.Val2192Ala)

Gene: CDH23 (cadherin related 23; plus strand). Cytogenetic location: 10q22.1.
Variant type: single nucleotide variant.
Coding change: c.6575T>C on transcript NM_022124.6 (MANE Select); coding-DNA position 6575, T replaced by C.
Protein change: p.Val2192Ala; replaces valine 2192 with alanine.
Molecular consequence: missense variant.
Genome position (GRCh38, 1-based): chr10:71,793,503, T>C. VCF-style: chr10-71793503-T-C. GRCh37 (hg19) VCF-style: chr10-73553260-T-C.
Other names: short protein forms V2192A.
Identifiers: ClinVar variation 2124787 (VCV002124787.1), dbSNP rs2494385438, ClinGen allele CA377155342.

ClinVar aggregate classification (germline): Uncertain significance (1 of 4 stars; one submission).

Allele frequency attached by ClinVar (database versions not stated): gnomAD exomes below 0.00001.
gnomAD v4.1: 1 of 1,613,880 alleles (0.000062%); highest among the groups gnomAD compares: Non-Finnish European, 0.000085%; no homozygotes.

Submission:

Labcorp Genetics (formerly Invitae), Labcorp
Classification: Uncertain significance. Last evaluated: 2022-07-24. Review status: criteria provided, single submitter. Criteria: Invitae Variant Classification Sherloc (09022015). Collection method: clinical testing. Allele origin: germline.
Comment: This sequence change replaces valine, which is neutral and non-polar, with alanine, which is neutral and non-polar, at codon 2192 of the CDH23 protein (p.Val2192Ala). This variant is not present in population databases (gnomAD no frequency). This variant has not been reported in the literature in individuals affected with CDH23-related conditions. Algorithms developed to predict the effect of missense changes on protein structure and function are either unavailable or do not agree on the potential impact of this missense change (SIFT: "Deleterious"; PolyPhen-2: "Not Available"; Align-GVGD: "Class C25"). In summary, the available evidence is currently insufficient to determine the role of this variant in disease. Therefore, it has been classified as a Variant of Uncertain Significance.